The following is an entry in ClinVar:

ClinVar aggregate classification (germline): Benign/Likely benign. Review status: criteria provided, multiple submitters, no conflicts (2 of 4 stars). 11 submissions from 11 submitters: Benign (1); Likely benign (9). 1 of the submissions does not count toward it. Last evaluated 2026-01-31.

Conditions:
Familial ovarian cancer. Identifiers: MedGen C5679802, MONDO:0016248.
BRIP1-related disorder. Also called: BRIP1-related condition; BRIP1-related disorders. Identifiers: MedGen CN239206.
Fanconi anemia complementation group J. Also called: BRIP1-Related Fanconi Anemia. Identifiers: Orphanet 84, MedGen C1836860, MONDO:0012187, OMIM 609054.
Familial cancer of breast. Also called: hereditary breast carcinoma; BREAST CANCER, FAMILIAL; Hereditary breast cancer. Identifiers: Orphanet 227535, MedGen C0346153, MONDO:0016419, OMIM 114480. Disease mechanism: loss of function.
Hereditary cancer-predisposing syndrome. Also called: Tumor predisposition; Neoplastic Syndromes, Hereditary; Hereditary Cancer Syndrome; Hereditary neoplastic syndrome. Identifiers: Orphanet 140162, MedGen C0027672, MeSH D009386, MONDO:0015356.

Allele frequency attached by ClinVar (database versions not stated): TOPMed below 0.00001; gnomAD exomes 0.00001; ExAC 0.00002.

Submissions (11):

Labcorp Genetics (formerly Invitae), Labcorp
Classification: Likely benign for Familial cancer of breast; Fanconi anemia complementation group J. Last evaluated: 2026-01-31. Review status: criteria provided, single submitter. Criteria: Invitae Variant Classification Sherloc (09022015). Collection method: clinical testing. Allele origin: germline.

Myriad Genetics, Inc.
Classification: Benign for Familial cancer of breast. Last evaluated: 2024-08-22. Review status: criteria provided, single submitter. Criteria: Myriad Autosomal Dominant, Autosomal Recessive and X-Linked Classification Criteria (2023). Collection method: clinical testing. Allele origin: unknown.
Comment: This variant is considered benign. This variant is a silent/synonymous amino acid change and it is not expected to impact splicing.

Blueprint Genetics
Classification: Likely benign. Last evaluated: 2024-04-02. Review status: criteria provided, single submitter. Criteria: ACMG Guidelines, 2015. Collection method: clinical testing. Allele origin: germline.

Department of Pathology and Laboratory Medicine, Sinai Health System
Classification: Likely benign for familial ovarian cancer. Last evaluated: 2022-04-08. Review status: criteria provided, single submitter. Criteria: ACMG Guidelines, 2015. Collection method: clinical testing. Allele origin: germline. Affected: no.

Sema4
Classification: Likely benign for Hereditary cancer-predisposing syndrome. Last evaluated: 2022-03-07. Review status: criteria provided, single submitter. Criteria: Sema4 Curation Guidelines. Collection method: curation. Allele origin: germline.

CeGaT Center for Human Genetics Tuebingen
Classification: Likely benign. Last evaluated: 2022-02-01. Review status: criteria provided, single submitter. Criteria: CeGaT Center For Human Genetics Tuebingen Variant Classification Criteria Version 2. Collection method: clinical testing. Allele origin: germline. Affected: yes. Observed: 1 variant allele.

GeneDx
Classification: Likely benign. Last evaluated: 2021-03-01. Review status: criteria provided, single submitter. Criteria: GeneDx Variant Classification Process June 2021. Collection method: clinical testing. Allele origin: germline. Affected: yes.

Quest Diagnostics Nichols Institute San Juan Capistrano
Classification: Likely benign. Last evaluated: 2020-05-01. Review status: criteria provided, single submitter. Criteria: Quest Diagnostics criteria. Collection method: clinical testing. Allele origin: unknown.

Color Diagnostics, LLC DBA Color Health
Classification: Likely benign for Hereditary cancer-predisposing syndrome. Last evaluated: 2015-04-22. Review status: criteria provided, single submitter. Criteria: ACMG Guidelines, 2015. Collection method: clinical testing. Allele origin: germline.

Ambry Genetics
Classification: Likely benign for Hereditary cancer-predisposing syndrome. Last evaluated: 2014-08-07. Review status: criteria provided, single submitter. Criteria: Ambry Variant Classification Scheme 2023. Collection method: clinical testing. Allele origin: germline.

PreventionGenetics, part of Exact Sciences
Classification: Likely benign for BRIP1-related condition. Last evaluated: 2022-08-05. Review status: no assertion criteria provided. Collection method: clinical testing. Allele origin: germline. Not counted in ClinVar's aggregate classification.
Comment: This variant is classified as likely benign based on ACMG/AMP sequence variant interpretation guidelines (Richards et al. 2015 PMID: 25741868, with internal and published modifications).

NM_032043.3(BRIP1):c.984C>T (p.Phe328=)

Gene: BRIP1 (BRCA1 interacting DNA helicase 1; minus strand). Cytogenetic location: 17q23.2.
Variant type: single nucleotide variant.
Coding change: c.984C>T on transcript NM_032043.3 (MANE Select); coding-DNA position 984, C replaced by T.
Protein change: p.Phe328=; no amino-acid change (phenylalanine 328 retained).
Molecular consequence: synonymous variant.
Genome position (GRCh38, 1-based): chr17:61,801,409, G>A on the plus strand (C>T on the coding strand, the complement: BRIP1 is on the minus strand). VCF-style: chr17-61801409-G-A. GRCh37 (hg19) VCF-style: chr17-59878770-G-A.
Identifiers: ClinVar variation 184786 (VCV000184786.56), dbSNP rs745379285, ClinGen allele CA190048.